The following is an entry in ClinVar:

ClinVar aggregate classification (germline): Uncertain significance (1 of 4 stars; one submission).

Submission:

GeneDx
Classification: Uncertain significance. Last evaluated: 2024-10-09. Review status: criteria provided, single submitter. Criteria: GeneDx Variant Classification Process June 2021. Collection method: clinical testing. Allele origin: germline. Affected: yes.
Comment: Not observed at significant frequency in large population cohorts (gnomAD); In silico analysis indicates that this variant does not alter splicing; Has not been previously published as pathogenic or benign to our knowledge

NM_002397.5(MEF2C):c.1125T>C (p.Ser375=)

Gene: MEF2C (myocyte enhancer factor 2C; minus strand). Cytogenetic location: 5q14.3.
Variant type: single nucleotide variant.
Coding change: c.1125T>C on transcript NM_002397.5 (MANE Select); coding-DNA position 1125, T replaced by C.
Protein change: p.Ser375=; no amino-acid change (serine 375 retained).
Molecular consequence: synonymous variant. On other transcripts: intron variant (24).
Genome position (GRCh38, 1-based): chr5:88,722,901, A>G on the plus strand (T>C on the coding strand, the complement: MEF2C is on the minus strand). VCF-style: chr5-88722901-A-G. GRCh37 (hg19) VCF-style: chr5-88018718-A-G.
Other names: c.1095T>C, p.Ser365= (NM_001131005.2); c.1155T>C, p.Ser385= (NM_001193347.1); c.957T>C, p.Ser319= (NM_001193348.1); c.1125T>C, p.Ser375= (NM_001193350.2, NM_001364329.2, NM_001364330.2 and 1 more transcripts); c.1101T>C, p.Ser367= (NM_001308002.3, NM_001364333.2); c.981T>C, p.Ser327= (NM_001364344.2); c.747T>C, p.Ser249= (NM_001364353.2); c.1101-72T>C (NM_001364334.2, NM_001364335.2, NM_001364337.2 and 2 more transcripts); and 10 more.
Identifiers: ClinVar variation 3777395 (VCV003777395.1).